The following is an entry in ClinVar:

NM_001999.4(FBN2):c.8637G>C (p.Lys2879Asn)

Gene: FBN2 (fibrillin 2; minus strand). Cytogenetic location: 5q23.3.
Variant type: single nucleotide variant.
Coding change: c.8637G>C on transcript NM_001999.4 (MANE Select); coding-DNA position 8637, G replaced by C.
Protein change: p.Lys2879Asn; replaces lysine 2879 with asparagine.
Molecular consequence: missense variant.
Genome position (GRCh38, 1-based): chr5:128,259,557, C>G on the plus strand (G>C on the coding strand, the complement: FBN2 is on the minus strand). VCF-style: chr5-128259557-C-G. GRCh37 (hg19) VCF-style: chr5-127595249-C-G.
Other names: short protein forms K2879N.
Identifiers: ClinVar variation 4871250 (VCV004871250.1).

ClinVar aggregate classification (germline): Uncertain significance (1 of 4 stars; one submission).

Conditions:
Familial thoracic aortic aneurysm and aortic dissection (TAAD). Also called: Thoracic aortic aneurysms and dissections. Identifiers: Orphanet 91387, MedGen C4707243, MONDO:0019625.

gnomAD v4.1: 3 of 1,614,048 alleles (0.00019%); highest among the groups gnomAD compares: African/African-American, 0.0013%; no homozygotes.

Submission:

Ambry Genetics
Classification: Uncertain significance for Familial thoracic aortic aneurysm and aortic dissection. Last evaluated: 2026-04-12. Review status: criteria provided, single submitter. Criteria: Ambry Variant Classification Scheme 2023. Collection method: clinical testing. Allele origin: germline.
Comment: The p.K2879N variant (also known as c.8637G>C), located in coding exon 65 of the FBN2 gene, results from a G to C substitution at nucleotide position 8637. The lysine at codon 2879 is replaced by asparagine, an amino acid with similar properties. This amino acid position is conserved. In addition, this alteration is predicted to be tolerated by in silico analysis. Based on the available evidence, the clinical significance of this variant remains unclear.